The following is an entry in ClinVar:

ClinVar aggregate classification (germline): Conflicting classifications of pathogenicity. Review status: criteria provided, conflicting classifications (1 of 4 stars). 2 submissions from 2 submitters: Uncertain significance (1); Likely benign (1). Last evaluated 2025-12-15.

Conditions:
Inborn genetic diseases. Identifiers: MedGen C0950123, MeSH D030342.

Allele frequency attached by ClinVar (database versions not stated): gnomAD exomes below 0.00001; ExAC 0.00001; gnomAD 0.00001; TOPMed 0.00001.

Submissions (2):

Ambry Genetics
Classification: Likely benign for Inborn genetic diseases. Last evaluated: 2025-12-15. Review status: criteria provided, single submitter. Criteria: Ambry Variant Classification Scheme 2023. Collection method: clinical testing. Allele origin: germline.

Labcorp Genetics (formerly Invitae), Labcorp
Classification: Uncertain significance. Last evaluated: 2024-02-24. Review status: criteria provided, single submitter. Criteria: Invitae Variant Classification Sherloc (09022015). Collection method: clinical testing. Allele origin: germline.
Comment: This sequence change replaces phenylalanine, which is neutral and non-polar, with serine, which is neutral and polar, at codon 2349 of the GPR179 protein (p.Phe2349Ser). This variant is present in population databases (rs759290545, gnomAD 0.007%). This variant has not been reported in the literature in individuals affected with GPR179-related conditions. ClinVar contains an entry for this variant (Variation ID: 1388627). Algorithms developed to predict the effect of missense changes on protein structure and function output the following: SIFT: "Not Available"; PolyPhen-2: "Benign"; Align-GVGD: "Not Available". The serine amino acid residue is found in multiple mammalian species, which suggests that this missense change does not adversely affect protein function. In summary, the available evidence is currently insufficient to determine the role of this variant in disease. Therefore, it has been classified as a Variant of Uncertain Significance.

NM_001004334.4(GPR179):c.7046T>C (p.Phe2349Ser)

Gene: GPR179 (G protein-coupled receptor 179; minus strand). Cytogenetic location: 17q12.
Variant type: single nucleotide variant.
Coding change: c.7046T>C on transcript NM_001004334.4 (MANE Select); coding-DNA position 7046, T replaced by C.
Protein change: p.Phe2349Ser; replaces phenylalanine 2349 with serine.
Molecular consequence: missense variant.
Genome position (GRCh38, 1-based): chr17:38,326,523, A>G on the plus strand (T>C on the coding strand, the complement: GPR179 is on the minus strand). VCF-style: chr17-38326523-A-G. GRCh37 (hg19) VCF-style: chr17-36482406-A-G.
Other names: c.7046T>C (NM_001004334.2); short protein forms F2349S.
Identifiers: ClinVar variation 1388627 (VCV001388627.7), dbSNP rs759290545, ClinGen allele CA290102649.
Genomic context (GRCh38, chr17:38,326,523, plus strand): 5'-TGTTACTCCCAATCCCAAGGATAGACAGTGGGAGGGGTGAATTCTTCATACTGAGCTTCA[A>G]AAGCCACTTGGCCTGAGTCTTCAGTTAAGGACGAAGACTGAGACTCAGCTTCCTGGAGAC-3'
Protein context (NP_001004334.3, residues 2339-2359): SLTEDSGQVA[Phe2349Ser]EAQYEEFTPP